The following is an entry in ClinVar:

NM_024649.5(BBS1):c.92dup (p.Met31fs)

Gene: BBS1 (Bardet-Biedl syndrome 1; plus strand). Cytogenetic location: 11q13.2.
Variant type: Duplication.
Coding change: c.92dup on transcript NM_024649.5 (MANE Select); coding-DNA position 92, one base duplicated (T; older notation c.92dupT).
Protein change: p.Met31fs; shifts the reading frame from methionine 31.
Molecular consequence: frameshift variant.
Genome position (GRCh38, 1-based): chr11:66,511,057, T duplicated. VCF-style (leftmost placement, unchanged base first): chr11-66511056-A-AT. GRCh37 (hg19) VCF-style: chr11-66278527-A-AT.
Other names: short protein forms M31fs.
Identifiers: ClinVar variation 5015779 (VCV005015779.1).

ClinVar aggregate classification (germline): Pathogenic (1 of 4 stars; one submission).

Conditions:
Bardet-Biedl syndrome 1 (BBS1). Identifiers: MedGen C2936862, MONDO:0008854, OMIM 209900. Disease mechanism: loss of function.

Submission:

Myriad Genetics, Inc.
Classification: Pathogenic for Bardet-Biedl syndrome 1. Last evaluated: 2026-04-09. Review status: criteria provided, single submitter. Criteria: Myriad Autosomal Dominant, Autosomal Recessive and X-Linked Classification Criteria (2023). Collection method: clinical testing. Allele origin: unknown.
Comment: NM_024649.4(BBS1):c.92dupT(M31Ifs*68) is expected to be pathogenic in the context of Bardet-Biedl syndrome, BBS1-related. This variant is predicted to lead to an abnormal or absent protein product due to the creation of a premature termination codon in BBS1, a gene where loss-of-function variants are known to be pathogenic. Please note: this variant was assessed in the context of healthy population screening.